The following is an entry in ClinVar:

ClinVar aggregate classification (germline): Uncertain significance (1 of 4 stars; one submission).

gnomAD v4.1: 2 of 1,430,926 alleles (0.00014%); highest among the groups gnomAD compares: Non-Finnish European, 0.00018%; no homozygotes.

Submission:

GeneDx
Classification: Uncertain significance. Last evaluated: 2023-05-26. Review status: criteria provided, single submitter. Criteria: GeneDx Variant Classification Process June 2021. Collection method: clinical testing. Allele origin: germline. Affected: yes.
Comment: Not observed at significant frequency in large population cohorts (gnomAD); In silico analysis supports that this missense variant has a deleterious effect on protein structure/function; Has not been previously published as pathogenic or benign to our knowledge

NM_003923.3(FOXH1):c.110C>T (p.Thr37Ile)

Gene: FOXH1 (forkhead box H1; minus strand). Cytogenetic location: 8q24.3.
Variant type: single nucleotide variant.
Coding change: c.110C>T on transcript NM_003923.3 (MANE Select); coding-DNA position 110, C replaced by T.
Protein change: p.Thr37Ile; replaces threonine 37 with isoleucine.
Molecular consequence: missense variant.
Genome position (GRCh38, 1-based): chr8:144,475,647, G>A on the plus strand (C>T on the coding strand, the complement: FOXH1 is on the minus strand). VCF-style: chr8-144475647-G-A. GRCh37 (hg19) VCF-style: chr8-145701030-G-A.
Other names: short protein forms T37I.
Identifiers: ClinVar variation 3362054 (VCV003362054.1).